The following is an entry in ClinVar:

ClinVar aggregate classification (germline): Uncertain significance (1 of 4 stars; one submission).

Conditions:
DICER1-related tumor predisposition. Also called: DICER1-related pleuropulmonary blastoma cancer predisposition syndrome; DICER1 syndrome. Identifiers: Orphanet 284343, MedGen C3839822, MONDO:0100216.

Submission:

Labcorp Genetics (formerly Invitae), Labcorp
Classification: Uncertain significance for DICER1-related tumor predisposition. Last evaluated: 2025-03-30. Review status: criteria provided, single submitter. Criteria: Invitae Variant Classification Sherloc (09022015). Collection method: clinical testing. Allele origin: germline.
Comment: This sequence change replaces glycine, which is neutral and non-polar, with alanine, which is neutral and non-polar, at codon 908 of the DICER1 protein (p.Gly908Ala). This variant is not present in population databases (gnomAD no frequency). This variant has not been reported in the literature in individuals affected with DICER1-related conditions. Invitae Evidence Modeling of protein sequence and biophysical properties (such as structural, functional, and spatial information, amino acid conservation, physicochemical variation, residue mobility, and thermodynamic stability) indicates that this missense variant is not expected to disrupt DICER1 protein function with a negative predictive value of 95%. In summary, the available evidence is currently insufficient to determine the role of this variant in disease. Therefore, it has been classified as a Variant of Uncertain Significance.

NM_177438.3(DICER1):c.2723G>C (p.Gly908Ala)

Gene: DICER1 (dicer 1, ribonuclease III; minus strand). Cytogenetic location: 14q32.13.
Variant type: single nucleotide variant.
Coding change: c.2723G>C on transcript NM_177438.3 (MANE Select); coding-DNA position 2723, G replaced by C.
Protein change: p.Gly908Ala; replaces glycine 908 with alanine.
Molecular consequence: missense variant. On other transcripts: non-coding transcript variant (6).
Genome position (GRCh38, 1-based): chr14:95,107,689, C>G on the plus strand (G>C on the coding strand, the complement: DICER1 is on the minus strand). VCF-style: chr14-95107689-C-G. GRCh37 (hg19) VCF-style: chr14-95574026-C-G.
Other names: c.2723G>C, p.Gly908Ala (NM_001395684.1, NM_001395692.1, NM_001395693.1 and 12 more transcripts); c.2441G>C, p.Gly814Ala (NM_001395686.1); c.2318G>C, p.Gly773Ala (NM_001395687.1, NM_001395688.1, NM_001395689.1 and 2 more transcripts); c.2156G>C, p.Gly719Ala (NM_001395691.1); c.1040G>C, p.Gly347Ala (NM_001395697.1); short protein forms G719A, G347A, G908A, G773A, G814A.
Identifiers: ClinVar variation 4746779 (VCV004746779.1).
Genomic context (GRCh38, chr14:95,107,689, plus strand): 5'-TGGTAATCTTCTAATTTAAAAACAAAGGGTGTTTCTTTTGTATACTTTGTACTGGGAATG[C>G]CTATGCGAGCTTCAGACTTCTCAATATCTTCCATGAATTTAAAGTCAATATCCAAAGTGC-3'
Protein context (NP_803187.1, residues 898-918): EDIEKSEARI[Gly908Ala]IPSTKYTKET